The following is an entry in ClinVar:

ClinVar aggregate classification (germline): Conflicting classifications of pathogenicity. Review status: criteria provided, conflicting classifications (1 of 4 stars). 2 submissions from 2 submitters: Uncertain significance (1); Likely benign (1). Last evaluated 2024-03-22.

Conditions:
Colorectal cancer, hereditary nonpolyposis, type 7. Identifiers: Orphanet 144, MedGen C1858380, MONDO:0013725, OMIM 614385.

Allele frequency attached by ClinVar (database versions not stated): ExAC 0.00001; gnomAD exomes 0.00001; gnomAD 0.00002; TOPMed 0.00002.

Submissions (2):

Ambry Genetics
Classification: Likely benign. Last evaluated: 2024-03-22. Review status: criteria provided, single submitter. Criteria: Ambry Variant Classification Scheme 2023. Collection method: clinical testing. Allele origin: germline.

Labcorp Genetics (formerly Invitae), Labcorp
Classification: Uncertain significance for Colorectal cancer, hereditary nonpolyposis, type 7. Last evaluated: 2022-01-17. Review status: criteria provided, single submitter. Criteria: Invitae Variant Classification Sherloc (09022015). Collection method: clinical testing. Allele origin: germline.
Comment: In summary, the available evidence is currently insufficient to determine the role of this variant in disease. Therefore, it has been classified as a Variant of Uncertain Significance. Algorithms developed to predict the effect of missense changes on protein structure and function output the following: SIFT: "Tolerated"; PolyPhen-2: "Benign"; Align-GVGD: "Class C0". The arginine amino acid residue is found in multiple mammalian species, which suggests that this missense change does not adversely affect protein function. ClinVar contains an entry for this variant (Variation ID: 582571). This variant has not been reported in the literature in individuals affected with MLH3-related conditions. This variant is present in population databases (rs755961343, gnomAD 0.01%). This sequence change replaces lysine, which is basic and polar, with arginine, which is basic and polar, at codon 113 of the MLH3 protein (p.Lys113Arg).

NM_001040108.2(MLH3):c.338A>G (p.Lys113Arg)

Gene: MLH3 (mutL homolog 3; minus strand). Cytogenetic location: 14q24.3.
Variant type: single nucleotide variant.
Coding change: c.338A>G on transcript NM_001040108.2 (MANE Select); coding-DNA position 338, A replaced by G.
Protein change: p.Lys113Arg; replaces lysine 113 with arginine.
Molecular consequence: missense variant.
Genome position (GRCh38, 1-based): chr14:75,049,318, T>C on the plus strand (A>G on the coding strand, the complement: MLH3 is on the minus strand). VCF-style: chr14-75049318-T-C. GRCh37 (hg19) VCF-style: chr14-75516021-T-C.
Other names: c.338A>G, p.Lys113Arg (NM_014381.3); short protein forms K113R.
Identifiers: ClinVar variation 582571 (VCV000582571.11), dbSNP rs755961343, ClinGen allele CA7276050.